The following is an entry in ClinVar:

ClinVar aggregate classification (germline): Likely pathogenic (1 of 4 stars; one submission).

Allele frequency attached by ClinVar (database versions not stated): gnomAD 0.00001.

Submission:

Labcorp Genetics (formerly Invitae), Labcorp
Classification: Likely pathogenic. Last evaluated: 2023-08-24. Review status: criteria provided, single submitter. Criteria: Invitae Variant Classification Sherloc (09022015). Collection method: clinical testing. Allele origin: germline.
Comment: Algorithms developed to predict the effect of sequence changes on RNA splicing suggest that this variant may disrupt the consensus splice site. In summary, the currently available evidence indicates that the variant is pathogenic, but additional data are needed to prove that conclusively. Therefore, this variant has been classified as Likely Pathogenic. This variant has not been reported in the literature in individuals affected with TONSL-related conditions. This sequence change affects a donor splice site in intron 10 of the TONSL gene. It is expected to disrupt RNA splicing. Variants that disrupt the donor or acceptor splice site typically lead to a loss of protein function (PMID: 16199547), and loss-of-function variants in TONSL are known to be pathogenic (PMID: 30773277). This variant is present in population databases (no rsID available, gnomAD 0.01%).

Literature cited by the submitters: PubMed 16199547; PubMed 30773277.

NM_013432.5(TONSL):c.1290+2T>C

Gene: TONSL (tonsoku like, DNA repair protein; minus strand). Cytogenetic location: 8q24.3.
Variant type: single nucleotide variant.
Coding change: c.1290+2T>C on transcript NM_013432.5 (MANE Select); the canonical splice donor site of the intron after coding-DNA position 1290, T replaced by C.
Molecular consequence: splice donor variant.
Genome position (GRCh38, 1-based): chr8:144,440,349, A>G on the plus strand (T>C on the coding strand, the complement: TONSL is on the minus strand). VCF-style: chr8-144440349-A-G. GRCh37 (hg19) VCF-style: chr8-145665732-A-G.
Identifiers: ClinVar variation 3002934 (VCV003002934.3), dbSNP rs970949012, ClinGen allele CA187674399.